The following is an entry in ClinVar:

NM_181672.3(OGT):c.2987A>G (p.Lys996Arg)

Gene: OGT (O-linked N-acetylglucosamine (GlcNAc) transferase; plus strand). Cytogenetic location: Xq13.1.
Variant type: single nucleotide variant.
Coding change: c.2987A>G on transcript NM_181672.3 (MANE Select); coding-DNA position 2987, A replaced by G.
Protein change: p.Lys996Arg; replaces lysine 996 with arginine.
Molecular consequence: missense variant.
Genome position (GRCh38, 1-based): chrX:71,573,640, A>G. VCF-style: chrX-71573640-A-G. GRCh37 (hg19) VCF-style: chrX-70793490-A-G.
Other names: c.2957A>G, p.Lys986Arg (NM_181673.3); short protein forms K986R, K996R.
Identifiers: ClinVar variation 4821782 (VCV004821782.4).

ClinVar aggregate classification (germline): Uncertain significance (1 of 4 stars; one submission).

gnomAD v4.1: 1 of 1,194,885 alleles (0.000084%); highest among the groups gnomAD compares: Non-Finnish European, 0.00011%; no homozygotes.

Submission:

CeGaT Center for Human Genetics Tuebingen
Classification: Uncertain significance. Last evaluated: 2026-03-01. Review status: criteria provided, single submitter. Criteria: CeGaT Center For Human Genetics Tuebingen Variant Classification Criteria Version 2. Collection method: clinical testing. Allele origin: germline. Affected: yes. Observed: 1 variant allele.
Comment: OGT: PM2, PP2